The following is an entry in ClinVar:

NM_024757.5(EHMT1):c.1710G>A (p.Pro570=)

Gene: EHMT1 (euchromatic histone lysine methyltransferase 1; plus strand). Cytogenetic location: 9q34.3.
Variant type: single nucleotide variant.
Coding change: c.1710G>A on transcript NM_024757.5 (MANE Select); coding-DNA position 1710, G replaced by A.
Protein change: p.Pro570=; no amino-acid change (proline 570 retained).
Molecular consequence: synonymous variant.
Genome position (GRCh38, 1-based): chr9:137,775,171, G>A. VCF-style: chr9-137775171-G-A. GRCh37 (hg19) VCF-style: chr9-140669623-G-A.
Other names: c.1710G>A, p.Pro570= (NM_001145527.2); c.1617G>A, p.Pro539= (NM_001354259.2); c.1689G>A, p.Pro563= (NM_001354263.2).
Identifiers: ClinVar variation 1140553 (VCV001140553.33), dbSNP rs746769518, ClinGen allele CA5374701.
Genomic context (GRCh38, chr9:137,775,171, plus strand): 5'-GGGCCGGTGCACAAACAGCGTGGTCAAGTATGAGCTGATGCGCCCCTCCAACAAGGCCCC[G>A]CTCCTCGTGCTGTGTGAAGACCACCGGGGCCGCATGGTGAAGCACCAGTGCTGTCCTGGC-3'
Protein context (NP_079033.4, residues 560-580): YELMRPSNKA[Pro570=]LLVLCEDHRG

ClinVar aggregate classification (germline): Likely benign. Review status: criteria provided, multiple submitters, no conflicts (2 of 4 stars). 2 submissions from 2 submitters: Likely benign (2). Last evaluated 2025-07-02.

Conditions:
Kleefstra syndrome 1 (KLEFS1). Identifiers: Orphanet 261494, MedGen C0795833, MONDO:0027407, OMIM 610253.

Allele frequency attached by ClinVar (database versions not stated): ExAC 0.00001; gnomAD exomes 0.00001; TOPMed 0.00002; gnomAD 0.00003.
gnomAD v4.1: 21 of 1,613,842 alleles (0.0013%); highest among the groups gnomAD compares: Admixed American, 0.0033%; no homozygotes.

Submissions (2):

Labcorp Genetics (formerly Invitae), Labcorp
Classification: Likely benign for Kleefstra syndrome 1. Last evaluated: 2025-07-02. Review status: criteria provided, single submitter. Criteria: Invitae Variant Classification Sherloc (09022015). Collection method: clinical testing. Allele origin: germline.

CeGaT Center for Human Genetics Tuebingen
Classification: Likely benign. Last evaluated: 2023-04-01. Review status: criteria provided, single submitter. Criteria: CeGaT Center For Human Genetics Tuebingen Variant Classification Criteria Version 2. Collection method: clinical testing. Allele origin: germline. Affected: yes. Observed: 1 variant allele.
Comment: EHMT1: BP4, BP7